The following is an entry in ClinVar:

ClinVar aggregate classification (germline): Uncertain significance. Review status: criteria provided, multiple submitters, no conflicts (2 of 4 stars). 3 submissions from 3 submitters: Uncertain significance (3). Last evaluated 2021-08-17.

Conditions:
Autosomal recessive limb-girdle muscular dystrophy type 2J (LGMDR10). Also called: MUSCULAR DYSTROPHY, LIMB-GIRDLE, AUTOSOMAL RECESSIVE 10; Limb-girdle muscular dystrophy, type 2J. Identifiers: Orphanet 140922, MedGen C1837342, MONDO:0012127, OMIM 608807.
Dilated cardiomyopathy 1G (CMD1G). Identifiers: Orphanet 154, MedGen C1858763, MONDO:0011400, OMIM 604145.
Hypertrophic cardiomyopathy 9. Also called: Familial hypertrophic cardiomyopathy 9. Identifiers: MedGen C1861065, MONDO:0013412, OMIM 613765.
Tibial muscular dystrophy (TMD). Also called: Udd Distal Myopathy – Tibial Muscular Dystrophy; Tibial muscular dystrophy, tardive; UDD MYOPATHY. Identifiers: Orphanet 609, MedGen C1838244, MONDO:0010870, OMIM 600334.
Early-onset myopathy with fatal cardiomyopathy (CMYO5). Also called: Salih Myopathy; CONGENITAL MYOPATHY 5 WITH CARDIOMYOPATHY. Identifiers: Orphanet 289377, MedGen C2673677, MONDO:0012714, OMIM 611705. Disease mechanism: loss of function.
Myopathy, myofibrillar, 9, with early respiratory failure (MFM9). Also called: MYOPATHY, PROXIMAL, WITH EARLY RESPIRATORY MUSCLE INVOLVEMENT; Myopathy, distal, with early respiratory failure, autosomal dominant; Hereditary myopathy with early respiratory failure; EDSTROM MYOPATHY. Identifiers: Orphanet 178464, Orphanet 34521, MedGen C1863599, MONDO:0011362, OMIM 603689.

Allele frequency attached by ClinVar (database versions not stated): gnomAD 0.00001; TOPMed 0.00002.
gnomAD v4.1: 2 of 1,613,506 alleles (0.00012%); highest among the groups gnomAD compares: African/African-American, 0.0027%; no homozygotes.

Submissions (3):

Fulgent Genetics
Classification: Uncertain significance for Tibial muscular dystrophy; Myopathy, myofibrillar, 9, with early respiratory failure; Dilated cardiomyopathy 1G; Autosomal recessive limb-girdle muscular dystrophy type 2J; Early-onset myopathy with fatal cardiomyopathy; Hypertrophic cardiomyopathy 9. Last evaluated: 2021-08-17. Review status: criteria provided, single submitter. Criteria: ACMG Guidelines, 2015. Collection method: clinical testing. Allele origin: unknown.

Labcorp Genetics (formerly Invitae), Labcorp
Classification: Uncertain significance for Dilated cardiomyopathy 1G; Autosomal recessive limb-girdle muscular dystrophy type 2J. Last evaluated: 2017-12-09. Review status: criteria provided, single submitter. Criteria: Invitae Variant Classification Sherloc (09022015). Collection method: clinical testing. Allele origin: germline.

Laboratory for Molecular Medicine, Mass General Brigham Personalized Medicine
Classification: Uncertain significance. Last evaluated: 2016-05-27. Review status: criteria provided, single submitter. Criteria: LMM Criteria. Collection method: clinical testing. Allele origin: germline. Observed: 1 variant allele.
Comment: The p.Glu24280Gln variant in TTN has not been previously reported in individuals with cardiomyopathy or in large population studies. Computational prediction to ols and conservation analysis suggest that the p.Glu24280Gln variant may impact the protein, though this information is not predictive enough to determine patho genicity. In summary, the clinical significance of the p.Glu24280Gln variant is uncertain.

NM_001267550.2(TTN):c.80542G>C (p.Glu26848Gln)

Genes: TTN-AS1 (TTN antisense RNA 1; plus strand), TTN (titin; minus strand). Cytogenetic location: 2q31.2.
Variant type: single nucleotide variant.
Coding change: c.80542G>C on transcript NM_001267550.2 (MANE Select); coding-DNA position 80542, G replaced by C.
Protein change: p.Glu26848Gln; replaces glutamic acid 26848 with glutamine.
Molecular consequence: missense variant.
Genome position (GRCh38, 1-based): chr2:178,565,590, C>G on the plus strand (G>C on the coding strand, the complement: TTN is on the minus strand). VCF-style: chr2-178565590-C-G. GRCh37 (hg19) VCF-style: chr2-179430317-C-G.
Other names: c.72838G>C, p.Glu24280Gln (NM_133378.4); c.75619G>C, p.Glu25207Gln (NM_001256850.1); c.53347G>C, p.Glu17783Gln (NM_003319.4); c.53722G>C, p.Glu17908Gln (NM_133432.3); c.53923G>C, p.Glu17975Gln (NM_133437.4); short protein forms E24280Q, E26848Q, E17975Q, E25207Q, E17783Q, E17908Q.
Identifiers: ClinVar variation 505035 (VCV000505035.8), dbSNP rs898433512, ClinGen allele CA60988910.